The following is an entry in ClinVar:

NM_000101.4(CYBA):c.103C>T (p.Gln35Ter)

Gene: CYBA (cytochrome b-245 alpha chain; minus strand). Cytogenetic location: 16q24.2.
Variant type: single nucleotide variant.
Coding change: c.103C>T on transcript NM_000101.4 (MANE Select); coding-DNA position 103, C replaced by T.
Protein change: p.Gln35Ter; replaces glutamine 35 with a stop codon.
Molecular consequence: nonsense.
Genome position (GRCh38, 1-based): chr16:88,648,070, G>A on the plus strand (C>T on the coding strand, the complement: CYBA is on the minus strand). VCF-style: chr16-88648070-G-A. GRCh37 (hg19) VCF-style: chr16-88714478-G-A.
Other names: short protein forms Q35*.
Identifiers: ClinVar variation 3008362 (VCV003008362.3), dbSNP rs1907352884, ClinGen allele CA397065921.

ClinVar aggregate classification (germline): Pathogenic (1 of 4 stars; one submission).

Conditions:
Granulomatous disease, chronic, autosomal recessive, cytochrome b-negative. Also called: CGD DUE TO DEFICIENCY OF THE ALPHA SUBUNIT OF CYTOCHROME b; CGD, AUTOSOMAL RECESSIVE CYTOCHROME b-NEGATIVE; CYBA DEFICIENCY; GRANULOMATOUS DISEASE, CHRONIC, AUTOSOMAL RECESSIVE, 4; Chronic granulomatous disease, autosomal, due to deficiency of CYBA. Identifiers: Orphanet 379, MedGen C1856255, MONDO:0009308, OMIM 233690.

Allele frequency attached by ClinVar (database versions not stated): TOPMed 0.00001.

Submission:

Labcorp Genetics (formerly Invitae), Labcorp
Classification: Pathogenic for Granulomatous disease, chronic, autosomal recessive, cytochrome b-negative. Last evaluated: 2025-01-07. Review status: criteria provided, single submitter. Criteria: Invitae Variant Classification Sherloc (09022015). Collection method: clinical testing. Allele origin: germline.
Comment: This sequence change creates a premature translational stop signal (p.Gln35*) in the CYBA gene. It is expected to result in an absent or disrupted protein product. Loss-of-function variants in CYBA are known to be pathogenic (PMID: 10910929, 20167518, 22876374). This variant is not present in population databases (gnomAD no frequency). This variant has not been reported in the literature in individuals affected with CYBA-related conditions. ClinVar contains an entry for this variant (Variation ID: 3008362). Algorithms developed to predict the effect of sequence changes on RNA splicing suggest that this variant may disrupt the consensus splice site. For these reasons, this variant has been classified as Pathogenic.

Literature cited by the submitters: PubMed 10910929; PubMed 20167518; PubMed 22876374.